The following is an entry in ClinVar:

NM_152309.3(PIK3AP1):c.1676C>T (p.Ala559Val)

Gene: PIK3AP1 (phosphoinositide-3-kinase adaptor protein 1; minus strand). Cytogenetic location: 10q24.1.
Variant type: single nucleotide variant.
Coding change: c.1676C>T on transcript NM_152309.3 (MANE Select); coding-DNA position 1676, C replaced by T.
Protein change: p.Ala559Val; replaces alanine 559 with valine.
Molecular consequence: missense variant.
Genome position (GRCh38, 1-based): chr10:96,623,531, G>A on the plus strand (C>T on the coding strand, the complement: PIK3AP1 is on the minus strand). VCF-style: chr10-96623531-G-A. GRCh37 (hg19) VCF-style: chr10-98383288-G-A.
Other names: short protein forms A559V.
Identifiers: ClinVar variation 839851 (VCV000839851.9), dbSNP rs1843115934, ClinGen allele CA377755671.

ClinVar aggregate classification (germline): Uncertain significance (1 of 4 stars; one submission).

Conditions:
Infantile spasms. Also called: Infantile spasm. Identifiers: MedGen C3887898, HP:0012469.

Allele frequency attached by ClinVar (database versions not stated): gnomAD exomes below 0.00001.
gnomAD v4.1: 2 of 1,604,568 alleles (0.00012%); highest among the groups gnomAD compares: Non-Finnish European, 0.00017%; no homozygotes.

Submission:

Labcorp Genetics (formerly Invitae), Labcorp
Classification: Uncertain significance for Infantile spasms. Last evaluated: 2019-12-03. Review status: criteria provided, single submitter. Criteria: Invitae Variant Classification Sherloc (09022015). Collection method: clinical testing. Allele origin: germline.
Comment: This sequence change replaces alanine with valine at codon 559 of the PIK3AP1 protein (p.Ala559Val). The alanine residue is moderately conserved and there is a small physicochemical difference between alanine and valine. In summary, the available evidence is currently insufficient to determine the role of this variant in disease. Therefore, it has been classified as a Variant of Uncertain Significance. Algorithms developed to predict the effect of missense changes on protein structure and function are either unavailable or do not agree on the potential impact of this missense change (SIFT: "Tolerated"; PolyPhen-2: "Possibly Damaging"; Align-GVGD: "Class C0"). This variant has not been reported in the literature in individuals with PIK3AP1-related conditions. This variant is not present in population databases (ExAC no frequency).